The following is an entry in ClinVar:

NM_016239.4(MYO15A):c.1657del (p.Arg553fs)

Gene: MYO15A (myosin XVA; plus strand). Cytogenetic location: 17p11.2.
Variant type: Deletion.
Coding change: c.1657del on transcript NM_016239.4 (MANE Select); coding-DNA position 1657, one base deleted (C; older notation c.1657delC).
Protein change: p.Arg553fs; shifts the reading frame from arginine 553.
Molecular consequence: frameshift variant.
Genome position (GRCh38, 1-based): chr17:18,120,457, C deleted; the last of 2 consecutive C bases (chr17:18,120,456-18,120,457); deleting either gives the same sequence. VCF-style (leftmost placement, unchanged base first): chr17-18120455-AC-A. GRCh37 (hg19) VCF-style: chr17-18023769-AC-A.
Other names: short protein forms R553fs.
Identifiers: ClinVar variation 2572402 (VCV002572402.1), dbSNP rs750651809, ClinGen allele CA2580614028.

ClinVar aggregate classification (germline): Pathogenic (1 of 4 stars; one submission).

Conditions:
Autosomal recessive nonsyndromic hearing loss 3. Also called: NEUROSENSORY NONSYNDROMIC RECESSIVE DEAFNESS 3. Identifiers: Orphanet 90636, MedGen C1838263, MONDO:0010860, OMIM 600316.

Submission:

3billion
Classification: Pathogenic for Autosomal recessive nonsyndromic hearing loss 3. Review status: criteria provided, single submitter. Criteria: ACMG Guidelines, 2015. Collection method: clinical testing. Allele origin: unknown. Affected: yes. Observed: 1 homozygote.
Comment: The variant is not observed in the gnomAD v2.1.1 dataset. The variant is predicted to result in a loss or disruption of normal protein function through nonsense-mediated decay (NMD) or protein truncation. Multiple pathogenic variants are reported downstream of the variant. The variant has been reported to be associated with MYO15A related disorder (PMID: 27573290). Therefore, this variant is classified as Pathogenic according to the recommendation of ACMG/AMP guideline.

Literature cited by the submitters: PubMed 27573290.